The following is an entry in ClinVar:

NM_000023.4(SGCA):c.461C>T (p.Ala154Val)

Gene: SGCA (sarcoglycan alpha; plus strand). Cytogenetic location: 17q21.33.
Variant type: single nucleotide variant.
Coding change: c.461C>T on transcript NM_000023.4 (MANE Select); coding-DNA position 461, C replaced by T.
Protein change: p.Ala154Val; replaces alanine 154 with valine.
Molecular consequence: missense variant. On other transcripts: non-coding transcript variant (1).
Genome position (GRCh38, 1-based): chr17:50,168,449, C>T. VCF-style: chr17-50168449-C-T. GRCh37 (hg19) VCF-style: chr17-48245810-C-T.
Other names: c.461C>T, p.Ala154Val (NM_001135697.3); short protein forms A154V.
Identifiers: ClinVar variation 1515424 (VCV001515424.5), dbSNP rs957820595, ClinGen allele CA291536467.

ClinVar aggregate classification (germline): Uncertain significance (1 of 4 stars; one submission).

Conditions:
Autosomal recessive limb-girdle muscular dystrophy type 2D (LGMDR3). Also called: ADHALINOPATHY, PRIMARY; DUCHENNE-LIKE AUTOSOMAL RECESSIVE MUSCULAR DYSTROPHY, TYPE 2; MUSCULAR DYSTROPHY, LIMB-GIRDLE, AUTOSOMAL RECESSIVE 3. Identifiers: Orphanet 62, MedGen C2936332, MONDO:0011968, OMIM 608099. Disease mechanism: Affects gamma-sarcoglycan and also disrupts the integrity of the entire sarcoglycan complex..

gnomAD v4.1: 3 of 1,587,298 alleles (0.00019%); highest among the groups gnomAD compares: Middle Eastern, 0.033%; 1 homozygote.

Submission:

Labcorp Genetics (formerly Invitae), Labcorp
Classification: Uncertain significance for Autosomal recessive limb-girdle muscular dystrophy type 2D. Last evaluated: 2022-06-20. Review status: criteria provided, single submitter. Criteria: Invitae Variant Classification Sherloc (09022015). Collection method: clinical testing. Allele origin: germline.
Comment: This sequence change replaces alanine, which is neutral and non-polar, with valine, which is neutral and non-polar, at codon 154 of the SGCA protein (p.Ala154Val). The frequency data for this variant in the population databases is considered unreliable, as metrics indicate poor data quality at this position in the gnomAD database. This variant has not been reported in the literature in individuals affected with SGCA-related conditions. Advanced modeling of protein sequence and biophysical properties (such as structural, functional, and spatial information, amino acid conservation, physicochemical variation, residue mobility, and thermodynamic stability) performed at Invitae indicates that this missense variant is not expected to disrupt SGCA protein function. In summary, the available evidence is currently insufficient to determine the role of this variant in disease. Therefore, it has been classified as a Variant of Uncertain Significance.